The following is an entry in ClinVar:

NM_002485.5(NBN):c.325G>A (p.Glu109Lys)

Gene: NBN (nibrin; minus strand). Cytogenetic location: 8q21.3.
Variant type: single nucleotide variant.
Coding change: c.325G>A on transcript NM_002485.5 (MANE Select); coding-DNA position 325, G replaced by A.
Protein change: p.Glu109Lys; replaces glutamic acid 109 with lysine.
Molecular consequence: missense variant.
Genome position (GRCh38, 1-based): chr8:89,980,889, C>T on the plus strand (G>A on the coding strand, the complement: NBN is on the minus strand). VCF-style: chr8-89980889-C-T. GRCh37 (hg19) VCF-style: chr8-90993117-C-T.
Other names: c.79G>A, p.Glu27Lys (NM_001024688.3); short protein forms E109K, E27K.
Identifiers: ClinVar variation 2693382 (VCV002693382.3), dbSNP rs587780096, ClinGen allele CA371662157.

ClinVar aggregate classification (germline): Uncertain significance (1 of 4 stars; one submission).

Conditions:
Microcephaly, normal intelligence and immunodeficiency (NBS). Also called: Nijmegen breakage syndrome; Microcephaly with normal intelligence immunodeficiency and lymphoreticular malignancies; Nonsyndromal microcephaly autosomal recessive with normal intelligence; Seemanova syndrome 2; BERLIN BREAKAGE SYNDROME; IMMUNODEFICIENCY, MICROCEPHALY, AND CHROMOSOMAL INSTABILITY. Identifiers: Orphanet 647, MedGen C0398791, MONDO:0009623, OMIM 251260.

Submission:

Labcorp Genetics (formerly Invitae), Labcorp
Classification: Uncertain significance for Microcephaly, normal intelligence and immunodeficiency. Last evaluated: 2023-11-05. Review status: criteria provided, single submitter. Criteria: Invitae Variant Classification Sherloc (09022015). Collection method: clinical testing. Allele origin: germline.
Comment: This sequence change replaces glutamic acid, which is acidic and polar, with lysine, which is basic and polar, at codon 109 of the NBN protein (p.Glu109Lys). This variant is not present in population databases (gnomAD no frequency). This variant has not been reported in the literature in individuals affected with NBN-related conditions. An algorithm developed to predict the effect of missense changes on protein structure and function (PolyPhen-2) suggests that this variant is likely to be disruptive. In summary, the available evidence is currently insufficient to determine the role of this variant in disease. Therefore, it has been classified as a Variant of Uncertain Significance.